The following is an entry in ClinVar:

NM_024422.6(DSC2):c.1263G>C (p.Lys421Asn)

Gene: DSC2 (desmocollin 2; minus strand). Cytogenetic location: 18q12.1.
Variant type: single nucleotide variant.
Coding change: c.1263G>C on transcript NM_024422.6 (MANE Select); coding-DNA position 1263, G replaced by C.
Protein change: p.Lys421Asn; replaces lysine 421 with asparagine.
Molecular consequence: missense variant.
Genome position (GRCh38, 1-based): chr18:31,082,238, C>G on the plus strand (G>C on the coding strand, the complement: DSC2 is on the minus strand). VCF-style: chr18-31082238-C-G. GRCh37 (hg19) VCF-style: chr18-28662204-C-G.
Other names: c.834G>C, p.Lys278Asn (NM_001406506.1, NM_001406507.1); c.1263G>C, p.Lys421Asn (NM_004949.5); short protein forms K278N, K421N.
Identifiers: ClinVar variation 4720287 (VCV004720287.1).
Genomic context (GRCh38, chr18:31,082,238, plus strand): 5'-ATTCTAGCATGCTATTCTATGATATTATAAACTACAAATAATGTTCTAATTTATTCTTAC[C>G]TTAACTACACAAAGAACTCCTTCATTGGTTTTGGCATCTGTTACAATTTTAAAATTGCCA-3'
Protein context (NP_077740.1, residues 411-431): KTNEGVLCVV[Lys421Asn]PLNYEEKQQM

ClinVar aggregate classification (germline): Uncertain significance (1 of 4 stars; one submission).

Conditions:
Arrhythmogenic right ventricular dysplasia 11. Also called: ARRHYTHMOGENIC RIGHT VENTRICULAR DYSPLASIA, FAMILIAL, 11; Arrhythmogenic Right Ventricular Dysplasia/Cardiomyopathy11; Arrhythmogenic right ventricular dysplasia 11 with mild palmoplantar keratoderma and woolly hair. Identifiers: MedGen C1864850, MONDO:0012506, OMIM 610476.

Submission:

Labcorp Genetics (formerly Invitae), Labcorp
Classification: Uncertain significance for Arrhythmogenic right ventricular dysplasia 11. Last evaluated: 2025-10-02. Review status: criteria provided, single submitter. Criteria: Invitae Variant Classification Sherloc (09022015). Collection method: clinical testing. Allele origin: germline.
Comment: This sequence change replaces lysine, which is basic and polar, with asparagine, which is neutral and polar, at codon 421 of the DSC2 protein (p.Lys421Asn). This variant also falls at the last nucleotide of exon 9, which is part of the consensus splice site for this exon. This variant is not present in population databases (gnomAD no frequency). This variant has not been reported in the literature in individuals affected with DSC2-related conditions. An algorithm developed to predict the effect of missense changes on protein structure and function (PolyPhen-2) suggests that this variant is likely to be disruptive. Variants that disrupt the consensus splice site are a relatively common cause of aberrant splicing (PMID: 17576681, 9536098). Algorithms developed to predict the effect of sequence changes on RNA splicing suggest that this variant may disrupt the consensus splice site. In summary, the available evidence is currently insufficient to determine the role of this variant in disease. Therefore, it has been classified as a Variant of Uncertain Significance.

Literature cited by the submitters: PubMed 17576681; PubMed 9536098.